The following is an entry in ClinVar:

NM_004006.3(DMD):c.7907A>T (p.Asn2636Ile)

Gene: DMD (dystrophin; minus strand). Cytogenetic location: Xp21.1.
Variant type: single nucleotide variant.
Coding change: c.7907A>T on transcript NM_004006.3 (MANE Select); coding-DNA position 7907, A replaced by T.
Protein change: p.Asn2636Ile; replaces asparagine 2636 with isoleucine.
Molecular consequence: missense variant.
Genome position (GRCh38, 1-based): chrX:31,658,110, T>A on the plus strand (A>T on the coding strand, the complement: DMD is on the minus strand). VCF-style: chrX-31658110-T-A. GRCh37 (hg19) VCF-style: chrX-31676227-T-A.
Other names: c.527A>T, p.Asn176Ile (NM_004023.3, NM_004013.3, NM_004020.4 and 2 more transcripts); c.7883A>T, p.Asn2628Ile (NM_000109.4); c.7895A>T, p.Asn2632Ile (NM_004009.3); c.7538A>T, p.Asn2513Ile (NM_004010.3); c.3884A>T, p.Asn1295Ile (NM_004011.4); c.3875A>T, p.Asn1292Ile (NM_004012.4); short protein forms N176I, N2628I, N1295I, N2632I, N2636I, N1292I, N2513I.
Identifiers: ClinVar variation 2046072 (VCV002046072.4), dbSNP rs2528811838, ClinGen allele CA412655976.

ClinVar aggregate classification (germline): Uncertain significance (1 of 4 stars; one submission).

Conditions:
Duchenne muscular dystrophy (DMD). Also called: MUSCULAR DYSTROPHY, PSEUDOHYPERTROPHIC PROGRESSIVE, DUCHENNE TYPE; Duchenne Muscular Dystrophy (DMD). Identifiers: Orphanet 98896, MedGen C0013264, MONDO:0010679, OMIM 310200.

Allele frequency attached by ClinVar (database versions not stated): gnomAD exomes below 0.00001.
gnomAD v4.1: 4 of 1,211,902 alleles (0.00033%); highest among the groups gnomAD compares: Non-Finnish European, 0.00045%; no homozygotes.

Submission:

Labcorp Genetics (formerly Invitae), Labcorp
Classification: Uncertain significance for Duchenne muscular dystrophy. Last evaluated: 2025-12-14. Review status: criteria provided, single submitter. Criteria: Invitae Variant Classification Sherloc (09022015). Collection method: clinical testing. Allele origin: germline.
Comment: This sequence change replaces asparagine, which is neutral and polar, with isoleucine, which is neutral and non-polar, at codon 2636 of the DMD protein (p.Asn2636Ile). This variant is not present in population databases (gnomAD no frequency). This variant has not been reported in the literature in individuals affected with DMD-related conditions. ClinVar contains an entry for this variant (Variation ID: 2046072). Invitae Evidence Modeling of protein sequence and biophysical properties (such as structural, functional, and spatial information, amino acid conservation, physicochemical variation, residue mobility, and thermodynamic stability) indicates that this missense variant is not expected to disrupt DMD protein function with a negative predictive value of 95%. In summary, the available evidence is currently insufficient to determine the role of this variant in disease. Therefore, it has been classified as a Variant of Uncertain Significance.